The following is an entry in ClinVar:

ClinVar aggregate classification (germline): Benign. Review status: criteria provided, multiple submitters, no conflicts (2 of 4 stars). 3 submissions from 3 submitters: Benign (2). 1 of the submissions does not count toward it. Last evaluated 2018-05-03.

Conditions:
PPP1R9A-related disorder. Also called: PPP1R9A-related condition.

Allele frequency attached by ClinVar (database versions not stated): gnomAD exomes 0.00155 and 0.00351; gnomAD 0.01242 and 0.01337; ESP Exome Variant Server 0.01311; ExAC 0.00402; TOPMed 0.01384; 1000 Genomes Project 0.01597; 1000 Genomes Project 30x 0.01718.
gnomAD v4.1: 4,183 of 1,597,616 alleles (0.26%); highest among the groups gnomAD compares: African/African-American, 4.4%; 75 homozygotes.

Submissions (3):

Labcorp Genetics (formerly Invitae), Labcorp
Classification: Benign. Last evaluated: 2018-05-03. Review status: criteria provided, single submitter. Criteria: Invitae Variant Classification Sherloc (09022015). Collection method: clinical testing. Allele origin: germline.

Breakthrough Genomics
Classification: Benign. Review status: criteria provided, single submitter. Criteria: ACMG Guidelines, 2015. Collection method: not provided. Allele origin: germline. Inheritance: Unknown mechanism. Affected: yes.

PreventionGenetics, part of Exact Sciences
Classification: Benign for PPP1R9A-related condition. Last evaluated: 2019-02-21. Review status: no assertion criteria provided. Collection method: clinical testing. Allele origin: germline. Not counted in ClinVar's aggregate classification.
Comment: This variant is classified as benign based on ACMG/AMP sequence variant interpretation guidelines (Richards et al. 2015 PMID: 25741868, with internal and published modifications).

NM_001166160.2(PPP1R9A):c.3012C>G (p.Leu1004=)

Genes: PPP1R9A (protein phosphatase 1 regulatory subunit 9A; plus strand), LOC126860112 (CDK7 strongly-dependent group 2 enhancer GRCh37_chr7:94897970-94899169; plus strand). Cytogenetic location: 7q21.3.
Variant type: single nucleotide variant.
Coding change: c.3012C>G on transcript NM_001166160.2 (MANE Select); coding-DNA position 3012, C replaced by G.
Protein change: p.Leu1004=; no amino-acid change (leucine 1004 retained).
Molecular consequence: synonymous variant. On other transcripts: intron variant (2).
Genome position (GRCh38, 1-based): chr7:95,269,395, C>G. VCF-style: chr7-95269395-C-G. GRCh37 (hg19) VCF-style: chr7-94898707-C-G.
Other names: c.2892C>G, p.Leu964= (NM_001166161.1); c.2946C>G, p.Leu982= (NM_001166162.1); c.2757+688C>G (NM_017650.3, NM_001166163.1).
Identifiers: ClinVar variation 783494 (VCV000783494.6), dbSNP rs61737467, ClinGen allele CA4349789.